The following is an entry in ClinVar:

ClinVar aggregate classification (germline): Uncertain significance. Review status: criteria provided, multiple submitters, no conflicts (2 of 4 stars). 4 submissions from 4 submitters: Uncertain significance (4). Last evaluated 2025-01-16.

Conditions:
Neurodevelopmental disorder with central hypotonia and dysmorphic facies (NEDCHF). Identifiers: MedGen C5676944, MONDO:0859232, OMIM 619797.
Inborn genetic diseases. Identifiers: MedGen C0950123, MeSH D030342.
HDAC4-related disorder. Also called: HDAC4-related condition.

Allele frequency attached by ClinVar (database versions not stated): gnomAD exomes below 0.00001; TOPMed 0.00001; gnomAD 0.00001.
gnomAD v4.1: 3 of 1,612,980 alleles (0.00019%); highest among the groups gnomAD compares: Admixed American, 0.0017%; no homozygotes.

Submissions (4):

Ambry Genetics
Classification: Uncertain significance for Inborn genetic diseases. Last evaluated: 2025-01-16. Review status: criteria provided, single submitter. Criteria: Ambry Variant Classification Scheme 2023. Collection method: clinical testing. Allele origin: germline.

Dasa
Classification: Uncertain significance. Last evaluated: 2024-11-05. Review status: criteria provided, single submitter. Criteria: DASA Assertion Criteria. Collection method: clinical testing. Allele origin: germline.
Comment: NM_001378414.1(HDAC4):c.2297T>C (p.Ile766Thr) is a missense variant that results in the substitution of isoleucine with threonine. This variant is rare in population databases. The currently available literature and clinical evidence are not sufficient to establish a definitive association between this variant and the reported condition. Therefore, this variant is classified as a variant of uncertain significance.

Laboratorio de Genetica e Diagnostico Molecular, Hospital Israelita Albert Einstein
Classification: Uncertain significance for Neurodevelopmental disorder with central hypotonia and dysmorphic facies. Last evaluated: 2024-10-25. Review status: criteria provided, single submitter. Criteria: ACMG Guidelines, 2015. Collection method: clinical testing. Allele origin: germline. Affected: yes.
Comment: ACMG classification criteria: PM2 supporting, PP2 supporting

PreventionGenetics, part of Exact Sciences
Classification: Uncertain significance for HDAC4-related condition. Last evaluated: 2023-01-11. Review status: criteria provided, single submitter. Criteria: ACMG Guidelines, 2015. Collection method: clinical testing. Allele origin: germline.
Comment: The HDAC4 c.2282T>C variant is predicted to result in the amino acid substitution p.Ile761Thr. To our knowledge, this variant has not been reported in the literature. This variant is reported in 0.0029% (1/250554) of alleles in individuals of Latino descent in gnomAD. At this time, the clinical significance of this variant is uncertain due to the absence of conclusive functional and genetic evidence.

NM_001378414.1(HDAC4):c.2297T>C (p.Ile766Thr)

Gene: HDAC4 (histone deacetylase 4; minus strand). Cytogenetic location: 2q37.3.
Variant type: single nucleotide variant.
Coding change: c.2297T>C on transcript NM_001378414.1 (MANE Select); coding-DNA position 2297, T replaced by C.
Protein change: p.Ile766Thr; replaces isoleucine 766 with threonine.
Molecular consequence: missense variant.
Genome position (GRCh38, 1-based): chr2:239,090,100, A>G on the plus strand (T>C on the coding strand, the complement: HDAC4 is on the minus strand). VCF-style: chr2-239090100-A-G. GRCh37 (hg19) VCF-style: chr2-240011796-A-G.
Other names: c.2297T>C, p.Ile766Thr (NM_001378415.1); c.2282T>C, p.Ile761Thr (NM_001378416.1, NM_001378417.1, NM_006037.4); short protein forms I761T, I766T.
Identifiers: ClinVar variation 2628760 (VCV002628760.5), dbSNP rs1246538476, ClinGen allele CA351264643.